The following is an entry in ClinVar:

NM_014244.5(ADAMTS2):c.3140G>A (p.Arg1047His)

Gene: ADAMTS2 (ADAM metallopeptidase with thrombospondin type 1 motif 2; minus strand). Cytogenetic location: 5q35.3.
Variant type: single nucleotide variant.
Coding change: c.3140G>A on transcript NM_014244.5 (MANE Select); coding-DNA position 3140, G replaced by A.
Protein change: p.Arg1047His; replaces arginine 1047 with histidine.
Molecular consequence: missense variant.
Genome position (GRCh38, 1-based): chr5:179,121,699, C>T on the plus strand (G>A on the coding strand, the complement: ADAMTS2 is on the minus strand). VCF-style: chr5-179121699-C-T. GRCh37 (hg19) VCF-style: chr5-178548700-C-T.
Other names: short protein forms R1047H.
Identifiers: ClinVar variation 1030311 (VCV001030311.1), dbSNP rs1413406706, ClinGen allele CA362417047.
Genomic context (GRCh38, chr5:179,121,699, plus strand): 5'-GAGTTATAAACGGGTCGGTTACTTGACGAGATCTTCCGGATGGGCGAGTCGGGGTCCGGG[C>T]GGGACAGCCACTGAACTACGTAGCTCTTCTTGGAGGGATCTGAGATGTTTCCTAGAGGGA-3'
Protein context (NP_055059.2, residues 1037-1057): KKSYVVQWLS[Arg1047His]PDPDSPIRKI

ClinVar aggregate classification (germline): Uncertain significance (1 of 4 stars; one submission).

Conditions:
Ehlers-Danlos syndrome, dermatosparaxis type. Also called: Dermatosparaxis; EDS VIIC; Ehlers-Danlos syndrome, type VII, autosomal recessive. Identifiers: Orphanet 1901, MedGen C2700425, MONDO:0009161, OMIM 225410.

Submission:

Baylor Genetics
Classification: Uncertain significance for Ehlers-Danlos syndrome, dermatosparaxis type. Last evaluated: 2019-12-10. Review status: criteria provided, single submitter. Criteria: ACMG Guidelines, 2015. Collection method: clinical testing. Allele origin: unknown. Affected: yes.
Comment: This variant was determined to be of uncertain significance according to ACMG Guidelines, 2015 [PMID:25741868].